The following is an entry in ClinVar:

NM_000548.5(TSC2):c.3341C>A (p.Ser1114Tyr)

Gene: TSC2 (TSC complex subunit 2; plus strand). Cytogenetic location: 16p13.3.
Variant type: single nucleotide variant.
Coding change: c.3341C>A on transcript NM_000548.5 (MANE Select); coding-DNA position 3341, C replaced by A.
Protein change: p.Ser1114Tyr; replaces serine 1114 with tyrosine.
Molecular consequence: missense variant.
Genome position (GRCh38, 1-based): chr16:2,079,613, C>A. VCF-style: chr16-2079613-C-A. GRCh37 (hg19) VCF-style: chr16-2129614-C-A.
Other names: c.3230C>A, p.Ser1077Tyr (NM_001406670.1); c.3200C>A, p.Ser1067Tyr (NM_001406671.1); c.3197C>A, p.Ser1066Tyr (NM_001406673.1); c.3194C>A, p.Ser1065Tyr (NM_001406675.1); c.3191C>A, p.Ser1064Tyr (NM_001406676.1); c.3152C>A, p.Ser1051Tyr (NM_001406677.1); c.3098C>A, p.Ser1033Tyr (NM_001406678.1); c.3062C>A, p.Ser1021Tyr (NM_001406679.1); and 18 more; short protein forms S1034Y, S1051Y, S1066Y, S1070Y, S1101Y, S1113Y, S622Y, S623Y.
Identifiers: ClinVar variation 2004215 (VCV002004215.6), dbSNP rs2151446048, ClinGen allele CA394286630.
Genomic context (GRCh38, chr16:2,079,613, plus strand): 5'-TCAGCTCCAGCCCCGGGGTGCATGTGAGACAGACCAAGGAGGCGCCGGCCAAGCTGGAGT[C>A]CCAGGCTGGGCAGCAGGTGTCCCGTGGGGCCCGGGATCGGGTCCGTTCCATGTCGGGTGA-3'
Protein context (NP_000539.2, residues 1104-1124): QTKEAPAKLE[Ser1114Tyr]QAGQQVSRGA

ClinVar aggregate classification (germline): Uncertain significance. Review status: criteria provided, multiple submitters, no conflicts (2 of 4 stars). 2 submissions from 2 submitters: Uncertain significance (2). Last evaluated 2025-05-28.

Conditions:
Tuberous sclerosis 2 (TSC2). Identifiers: Orphanet 805, MedGen C1860707, MONDO:0013199, OMIM 613254.

Submissions (2):

Dasa
Classification: Uncertain significance for Tuberous sclerosis 2. Last evaluated: 2025-05-28. Review status: criteria provided, single submitter. Criteria: DASA Assertion Criteria. Collection method: clinical testing. Allele origin: germline.
Comment: NM_000548.5(TSC2):c.3341C>A (p.Ser1114Tyr) is a missense variant that results in the substitution of serine with tyrosine. This variant is absent from population databases. The currently available literature and clinical evidence are not sufficient to establish a definitive association between this variant and the reported condition. Therefore, this variant is classified as a variant of uncertain significance.

Labcorp Genetics (formerly Invitae), Labcorp
Classification: Uncertain significance for Tuberous sclerosis 2. Last evaluated: 2023-11-27. Review status: criteria provided, single submitter. Criteria: Invitae Variant Classification Sherloc (09022015). Collection method: clinical testing. Allele origin: germline.
Comment: This sequence change replaces serine, which is neutral and polar, with tyrosine, which is neutral and polar, at codon 1114 of the TSC2 protein (p.Ser1114Tyr). This variant is not present in population databases (gnomAD no frequency). This variant has not been reported in the literature in individuals affected with TSC2-related conditions. ClinVar contains an entry for this variant (Variation ID: 2004215). Advanced modeling of protein sequence and biophysical properties (such as structural, functional, and spatial information, amino acid conservation, physicochemical variation, residue mobility, and thermodynamic stability) performed at Invitae indicates that this missense variant is not expected to disrupt TSC2 protein function with a negative predictive value of 95%. In summary, the available evidence is currently insufficient to determine the role of this variant in disease. Therefore, it has been classified as a Variant of Uncertain Significance.